The following is an entry in ClinVar:

ClinVar aggregate classification (germline): Likely benign. Review status: criteria provided, multiple submitters, no conflicts (2 of 4 stars). 4 submissions from 4 submitters: Likely benign (3). 1 of the submissions does not count toward it. Last evaluated 2025-12-21.

Conditions:
HIVEP2-related disorder. Also called: HIVEP2-related condition.
Inborn genetic diseases. Identifiers: MedGen C0950123, MeSH D030342.

Allele frequency attached by ClinVar (database versions not stated): ExAC 0.00002; TOPMed 0.00003; gnomAD 0.00007; 1000 Genomes Project 30x 0.00031; 1000 Genomes Project 0.00040.
gnomAD v4.1: 84 of 1,614,182 alleles (0.0052%); highest among the groups gnomAD compares: Admixed American, 0.043%; no homozygotes.

Submissions (4):

Labcorp Genetics (formerly Invitae), Labcorp
Classification: Likely benign. Last evaluated: 2025-12-21. Review status: criteria provided, single submitter. Criteria: Invitae Variant Classification Sherloc (09022015). Collection method: clinical testing. Allele origin: germline.

Ambry Genetics
Classification: Likely benign for Inborn genetic diseases. Last evaluated: 2023-06-13. Review status: criteria provided, single submitter. Criteria: Ambry Variant Classification Scheme 2023. Collection method: clinical testing. Allele origin: germline.

Blueprint Genetics
Classification: Likely benign. Last evaluated: 2021-09-24. Review status: criteria provided, single submitter. Criteria: ACMG Guidelines, 2015. Collection method: clinical testing. Allele origin: germline.

PreventionGenetics, part of Exact Sciences
Classification: Likely benign for HIVEP2-related condition. Last evaluated: 2023-03-28. Review status: no assertion criteria provided. Collection method: clinical testing. Allele origin: germline. Not counted in ClinVar's aggregate classification.
Comment: This variant is classified as likely benign based on ACMG/AMP sequence variant interpretation guidelines (Richards et al. 2015 PMID: 25741868, with internal and published modifications).

NM_006734.4(HIVEP2):c.1583C>T (p.Pro528Leu)

Gene: HIVEP2 (HIVEP zinc finger 2; minus strand). Cytogenetic location: 6q24.2.
Variant type: single nucleotide variant.
Coding change: c.1583C>T on transcript NM_006734.4 (MANE Select); coding-DNA position 1583, C replaced by T.
Protein change: p.Pro528Leu; replaces proline 528 with leucine.
Molecular consequence: missense variant.
Genome position (GRCh38, 1-based): chr6:142,773,156, G>A on the plus strand (C>T on the coding strand, the complement: HIVEP2 is on the minus strand). VCF-style: chr6-142773156-G-A. GRCh37 (hg19) VCF-style: chr6-143094293-G-A.
Other names: c.1583C>T (NM_006734.3); short protein forms P528L.
Identifiers: ClinVar variation 2169357 (VCV002169357.9), dbSNP rs193196172, ClinGen allele CA4028573.